The following is an entry in ClinVar:

ClinVar aggregate classification (germline): Uncertain significance (1 of 4 stars; one submission).

Conditions:
Gorlin syndrome. Also called: Basal cell nevus syndrome; Nevoid Basal Cell Carcinoma Syndrome. Identifiers: Orphanet 377, MedGen C0004779, MONDO:0007187.

Submission:

Labcorp Genetics (formerly Invitae), Labcorp
Classification: Uncertain significance for Gorlin syndrome. Last evaluated: 2024-01-30. Review status: criteria provided, single submitter. Criteria: Invitae Variant Classification Sherloc (09022015). Collection method: clinical testing. Allele origin: germline.
Comment: This sequence change falls in intron 6 of the PTCH1 gene. It does not directly change the encoded amino acid sequence of the PTCH1 protein. It affects a nucleotide within the consensus splice site. This variant is not present in population databases (gnomAD no frequency). This variant has not been reported in the literature in individuals affected with PTCH1-related conditions. ClinVar contains an entry for this variant (Variation ID: 577504). Variants that disrupt the consensus splice site are a relatively common cause of aberrant splicing (PMID: 17576681, 9536098). Studies have shown that this variant is associated with inconclusive levels of altered splicing (Invitae). In summary, the available evidence is currently insufficient to determine the role of this variant in disease. Therefore, it has been classified as a Variant of Uncertain Significance.

Literature cited by the submitters: PubMed 17576681; PubMed 9536098.

NM_000264.5(PTCH1):c.945+4A>C

Gene: PTCH1 (patched 1; minus strand). Cytogenetic location: 9q22.32.
Variant type: single nucleotide variant.
Coding change: c.945+4A>C on transcript NM_000264.5 (MANE Select); 4 bases into the intron after coding-DNA position 945, A replaced by C.
Molecular consequence: intron variant.
Genome position (GRCh38, 1-based): chr9:95,480,386, T>G on the plus strand (A>C on the coding strand, the complement: PTCH1 is on the minus strand). VCF-style: chr9-95480386-T-G. GRCh37 (hg19) VCF-style: chr9-98242668-T-G.
Other names: c.942+4A>C (NM_001083603.3); c.747+4A>C (NM_001083602.3); c.945+4A>C (NM_001354918.2); c.492+4A>C (NM_001083605.3, NM_001083604.3, NM_001083606.3 and 1 more transcripts).
Identifiers: ClinVar variation 577504 (VCV000577504.7), dbSNP rs1564055215, ClinGen allele CA891843143.